The following is an entry in ClinVar:

ClinVar aggregate classification (germline): Uncertain significance (1 of 4 stars; one submission).

Conditions:
FG syndrome (FGS). Identifiers: MedGen C0220769, MONDO:0002010.

Allele frequency attached by ClinVar (database versions not stated): gnomAD exomes below 0.00001.
gnomAD v4.1: 1 of 1,209,558 alleles (0.000083%); highest among the groups gnomAD compares: Admixed American, 0.0022%; no homozygotes.

Submission:

Labcorp Genetics (formerly Invitae), Labcorp
Classification: Uncertain significance for FG syndrome. Last evaluated: 2022-04-11. Review status: criteria provided, single submitter. Criteria: Invitae Variant Classification Sherloc (09022015). Collection method: clinical testing. Allele origin: germline.
Comment: In summary, the available evidence is currently insufficient to determine the role of this variant in disease. Therefore, it has been classified as a Variant of Uncertain Significance. This variant is not present in population databases (gnomAD no frequency). This variant has not been reported in the literature in individuals affected with MED12-related conditions. Algorithms developed to predict the effect of missense changes on protein structure and function (SIFT, PolyPhen-2, Align-GVGD) all suggest that this variant is likely to be disruptive. This sequence change replaces alanine, which is neutral and non-polar, with threonine, which is neutral and polar, at codon 967 of the MED12 protein (p.Ala967Thr).

NM_005120.3(MED12):c.2899G>A (p.Ala967Thr)

Gene: MED12 (mediator complex subunit 12; plus strand). Cytogenetic location: Xq13.1.
Variant type: single nucleotide variant.
Coding change: c.2899G>A on transcript NM_005120.3 (MANE Select); coding-DNA position 2899, G replaced by A.
Protein change: p.Ala967Thr; replaces alanine 967 with threonine.
Molecular consequence: missense variant.
Genome position (GRCh38, 1-based): chrX:71,127,385, G>A. VCF-style: chrX-71127385-G-A. GRCh37 (hg19) VCF-style: chrX-70347235-G-A.
Other names: short protein forms A967T.
Identifiers: ClinVar variation 2124892 (VCV002124892.4), dbSNP rs1009027587, ClinGen allele CA330979664.